The following is an entry in ClinVar:

ClinVar aggregate classification (germline): Uncertain significance (1 of 4 stars; one submission).

Conditions:
Dilated cardiomyopathy 1HH (CMD1HH). Identifiers: Orphanet 154, MedGen C3151293, MONDO:0013479, OMIM 613881.
Myofibrillar myopathy 6. Identifiers: Orphanet 199340, MedGen C2751831, MONDO:0013061, OMIM 612954.

gnomAD v4.1: 1 of 1,600,954 alleles (0.000062%); highest among the groups gnomAD compares: South Asian, 0.0011%; no homozygotes.

Submission:

Labcorp Genetics (formerly Invitae), Labcorp
Classification: Uncertain significance for Dilated cardiomyopathy 1HH; Myofibrillar myopathy 6. Last evaluated: 2022-09-05. Review status: criteria provided, single submitter. Criteria: Invitae Variant Classification Sherloc (09022015). Collection method: clinical testing. Allele origin: germline.
Comment: In summary, the available evidence is currently insufficient to determine the role of this variant in disease. Therefore, it has been classified as a Variant of Uncertain Significance. Algorithms developed to predict the effect of missense changes on protein structure and function are either unavailable or do not agree on the potential impact of this missense change (SIFT: "Tolerated"; PolyPhen-2: "Probably Damaging"; Align-GVGD: "Class C0"). This variant has not been reported in the literature in individuals affected with BAG3-related conditions. This variant is not present in population databases (gnomAD no frequency). This sequence change replaces histidine, which is basic and polar, with glutamine, which is neutral and polar, at codon 42 of the BAG3 protein (p.His42Gln).

NM_004281.4(BAG3):c.126C>G (p.His42Gln)

Gene: BAG3 (BAG cochaperone 3; plus strand). Cytogenetic location: 10q26.11.
Variant type: single nucleotide variant.
Coding change: c.126C>G on transcript NM_004281.4 (MANE Select); coding-DNA position 126, C replaced by G.
Protein change: p.His42Gln; replaces histidine 42 with glutamine.
Molecular consequence: missense variant.
Genome position (GRCh38, 1-based): chr10:119,651,801, C>G. VCF-style: chr10-119651801-C-G. GRCh37 (hg19) VCF-style: chr10-121411313-C-G.
Other names: short protein forms H42Q.
Identifiers: ClinVar variation 1718846 (VCV001718846.5), dbSNP rs2493980004, ClinGen allele CA378294235.